The following is an entry in ClinVar:

ClinVar aggregate classification (germline): Conflicting classifications of pathogenicity. Review status: criteria provided, conflicting classifications (1 of 4 stars). 2 submissions from 2 submitters: Uncertain significance (1); Likely benign (1). Last evaluated 2023-03-23.

Conditions:
Hereditary breast ovarian cancer syndrome. Also called: Hereditary breast and/or ovarian cancer syndrome; Hereditary breast and ovarian cancer syndrome; Hereditary breast and ovarian cancer; Hereditary breast and ovarian cancer syndrome (HBOC); Breast and ovarian cancer; BRCA1- and BRCA2-Associated Hereditary Breast and Ovarian Cancer. Identifiers: Orphanet 145, MedGen C0677776, MeSH D061325, MONDO:0003582. Disease mechanism: loss of function.
Hereditary cancer-predisposing syndrome. Also called: Hereditary neoplastic syndrome; Neoplastic Syndromes, Hereditary; Tumor predisposition; Hereditary Cancer Syndrome. Identifiers: Orphanet 140162, MedGen C0027672, MeSH D009386, MONDO:0015356.

Allele frequency attached by ClinVar (database versions not stated): gnomAD exomes below 0.00001; ExAC 0.00001.
gnomAD v4.1: 4 of 1,613,662 alleles (0.00025%); highest among the groups gnomAD compares: South Asian, 0.0044%; no homozygotes.

Submissions (2):

University of Washington Department of Laboratory Medicine, University of Washington
Classification: Likely benign for Hereditary cancer-predisposing syndrome. Last evaluated: 2023-03-23. Review status: criteria provided, single submitter. Criteria: Dines et al. (Genet Med. 2020). Collection method: curation. Allele origin: germline.
Comment: Missense variant in a coldspot region where missense variants are very unlikely to be pathogenic (PMID:31911673).

BRCA1 coldspot (exon 11 using historical exon numbering). Reclassification based on statistical prior probability

Labcorp Genetics (formerly Invitae), Labcorp
Classification: Uncertain significance for Hereditary breast ovarian cancer syndrome. Last evaluated: 2021-12-27. Review status: criteria provided, single submitter. Criteria: Invitae Variant Classification Sherloc (09022015). Collection method: clinical testing. Allele origin: germline.
Comment: In summary, the available evidence is currently insufficient to determine the role of this variant in disease. Therefore, it has been classified as a Variant of Uncertain Significance. This sequence change replaces alanine, which is neutral and non-polar, with threonine, which is neutral and polar, at codon 524 of the BRCA1 protein (p.Ala524Thr). This variant is present in population databases (rs761178502, gnomAD 0.003%). This variant has not been reported in the literature in individuals affected with BRCA1-related conditions. ClinVar contains an entry for this variant (Variation ID: 940587). Advanced modeling of protein sequence and biophysical properties (such as structural, functional, and spatial information, amino acid conservation, physicochemical variation, residue mobility, and thermodynamic stability) performed at Invitae indicates that this missense variant is not expected to disrupt BRCA1 protein function.

NM_007294.4(BRCA1):c.1570G>A (p.Ala524Thr)

Gene: BRCA1 (BRCA1 DNA repair associated; minus strand). Cytogenetic location: 17q21.31.
Variant type: single nucleotide variant.
Coding change: c.1570G>A on transcript NM_007294.4 (MANE Select); coding-DNA position 1570, G replaced by A.
Protein change: p.Ala524Thr; replaces alanine 524 with threonine.
Molecular consequence: missense variant. On other transcripts: intron variant (137).
Genome position (GRCh38, 1-based): chr17:43,093,961, C>T on the plus strand (G>A on the coding strand, the complement: BRCA1 is on the minus strand). VCF-style: chr17-43093961-C-T. GRCh37 (hg19) VCF-style: chr17-41245978-C-T.
Other names: c.1426G>A, p.Ala476Thr (NM_001407964.1, NM_001407740.1, NM_001407741.1 and 20 more transcripts); c.1066G>A, p.Ala356Thr (NM_001407965.1); c.682G>A, p.Ala228Thr (NM_001407966.1, NM_001407967.1); c.1429G>A, p.Ala477Thr (NM_007297.4, NM_001407692.1, NM_001407694.1 and 29 more transcripts); c.1570G>A, p.Ala524Thr (NM_007300.4, NM_001407581.1, NM_001407582.1 and 30 more transcripts); c.646+783G>A (NM_001408458.1, NM_001408469.1, NM_001408453.1 and 11 more transcripts); c.283+783G>A (NM_001408512.1); c.406+783G>A (NM_001408510.1); and 40 more; short protein forms A477T, A524T, A356T, A397T, A413T, A483T, A498T, A228T.
Identifiers: ClinVar variation 940587 (VCV000940587.13), dbSNP rs761178502, ClinGen allele CA057366.